The following is an entry in ClinVar:

NM_000036.3(AMPD1):c.92A>T (p.Asp31Val)

Gene: AMPD1 (adenosine monophosphate deaminase 1; minus strand). Cytogenetic location: 1p13.2.
Variant type: single nucleotide variant.
Coding change: c.92A>T on transcript NM_000036.3 (MANE Select); coding-DNA position 92, A replaced by T.
Protein change: p.Asp31Val; replaces aspartic acid 31 with valine.
Molecular consequence: missense variant.
Genome position (GRCh38, 1-based): chr1:114,688,684, T>A on the plus strand (A>T on the coding strand, the complement: AMPD1 is on the minus strand). VCF-style: chr1-114688684-T-A. GRCh37 (hg19) VCF-style: chr1-115231305-T-A.
Other names: c.80A>T, p.Asp27Val (NM_001172626.2); short protein forms D27V, D31V.
Identifiers: ClinVar variation 1984424 (VCV001984424.4), dbSNP rs201837665, ClinGen allele CA1020564.

ClinVar aggregate classification (germline): Uncertain significance (1 of 4 stars; one submission).

Conditions:
Muscle AMP deaminase deficiency (MMDD). Also called: AMPD1 DEFICIENCY; Myoadenylate deaminase deficiency, myopathy due to; Adenosine monophosphate deaminase 1 deficiency; AMP deaminase 1 deficiency; Adenosine Monophosphate Deaminase 1; ADENOSINE MONOPHOSPHATE DEAMINASE-1 DEFICIENCY, MYOPATHY DUE TO. Identifiers: Orphanet 45, MedGen C3714933, MONDO:0014220, OMIM 615511.

Allele frequency attached by ClinVar (database versions not stated): ExAC 0.00001; ESP Exome Variant Server 0.00008.
gnomAD v4.1: 10 of 1,614,114 alleles (0.00062%); highest among the groups gnomAD compares: African/African-American, 0.013%; no homozygotes.

Submission:

Labcorp Genetics (formerly Invitae), Labcorp
Classification: Uncertain significance for Muscle AMP deaminase deficiency. Last evaluated: 2022-03-19. Review status: criteria provided, single submitter. Criteria: Invitae Variant Classification Sherloc (09022015). Collection method: clinical testing. Allele origin: germline.
Comment: This sequence change replaces aspartic acid, which is acidic and polar, with valine, which is neutral and non-polar, at codon 64 of the AMPD1 protein (p.Asp64Val). This variant is present in population databases (rs201837665, gnomAD 0.02%). This variant has not been reported in the literature in individuals affected with AMPD1-related conditions. Algorithms developed to predict the effect of missense changes on protein structure and function are either unavailable or do not agree on the potential impact of this missense change (SIFT: "Tolerated"; PolyPhen-2: "Possibly Damaging"; Align-GVGD: "Class C0"). In summary, the available evidence is currently insufficient to determine the role of this variant in disease. Therefore, it has been classified as a Variant of Uncertain Significance.